The following is an entry in ClinVar:

NM_014633.5(CTR9):c.3446A>T (p.Asn1149Ile)

Gene: CTR9 (CTR9 component of Paf1/RNA polymerase II complex; plus strand). Cytogenetic location: 11p15.4.
Variant type: single nucleotide variant.
Coding change: c.3446A>T on transcript NM_014633.5 (MANE Select); coding-DNA position 3446, A replaced by T.
Protein change: p.Asn1149Ile; replaces asparagine 1149 with isoleucine.
Molecular consequence: missense variant.
Genome position (GRCh38, 1-based): chr11:10,779,029, A>T. VCF-style: chr11-10779029-A-T. GRCh37 (hg19) VCF-style: chr11-10800576-A-T.
Other names: c.3374A>T, p.Asn1125Ile (NM_001346279.2); short protein forms N1125I, N1149I.
Identifiers: ClinVar variation 3626967 (VCV003626967.2).

ClinVar aggregate classification (germline): Uncertain significance (1 of 4 stars; one submission).

gnomAD v4.1: 3 of 1,614,090 alleles (0.00019%); highest among the groups gnomAD compares: African/African-American, 0.0013%; no homozygotes.

Submission:

Labcorp Genetics (formerly Invitae), Labcorp
Classification: Uncertain significance. Last evaluated: 2024-05-18. Review status: criteria provided, single submitter. Criteria: Invitae Variant Classification Sherloc (09022015). Collection method: clinical testing. Allele origin: germline.
Comment: This sequence change replaces asparagine, which is neutral and polar, with isoleucine, which is neutral and non-polar, at codon 1149 of the CTR9 protein (p.Asn1149Ile). This variant is present in population databases (rs750112805, gnomAD 0.0009%). This variant has not been reported in the literature in individuals affected with CTR9-related conditions. An algorithm developed to predict the effect of missense changes on protein structure and function (PolyPhen-2) suggests that this variant is likely to be disruptive. In summary, the available evidence is currently insufficient to determine the role of this variant in disease. Therefore, it has been classified as a Variant of Uncertain Significance.